The following is an entry in ClinVar:

ClinVar aggregate classification (germline): Uncertain significance. Review status: criteria provided, multiple submitters, no conflicts (2 of 4 stars). 4 submissions from 4 submitters: Uncertain significance (4). Last evaluated 2025-03-09.

Conditions:
Classic or attenuated familial adenomatous polyposis. Identifiers: MedGen CN372698, MONDO:0021057.
Familial adenomatous polyposis 1 (FAP1). Also called: POLYPOSIS, ADENOMATOUS INTESTINAL; FAMILIAL ADENOMATOUS POLYPOSIS 1, ATTENUATED. Identifiers: MedGen C2713442, MONDO:0021056, OMIM 175100. Disease mechanism: loss of function.
Hereditary cancer-predisposing syndrome. Also called: Tumor predisposition; Hereditary Cancer Syndrome; Neoplastic Syndromes, Hereditary; Hereditary neoplastic syndrome. Identifiers: Orphanet 140162, MedGen C0027672, MeSH D009386, MONDO:0015356.

gnomAD v4.1: 2 of 1,614,118 alleles (0.00012%); highest among the groups gnomAD compares: Non-Finnish European, 0.00017%; no homozygotes.

Submissions (4):

Labcorp Genetics (formerly Invitae), Labcorp
Classification: Uncertain significance for Familial adenomatous polyposis 1. Last evaluated: 2025-03-09. Review status: criteria provided, single submitter. Criteria: Invitae Variant Classification Sherloc (09022015). Collection method: clinical testing. Allele origin: germline.
Comment: This sequence change replaces lysine, which is basic and polar, with isoleucine, which is neutral and non-polar, at codon 2739 of the APC protein (p.Lys2739Ile). This variant is not present in population databases (gnomAD no frequency). This variant has not been reported in the literature in individuals affected with APC-related conditions. ClinVar contains an entry for this variant (Variation ID: 1332033). Invitae Evidence Modeling of protein sequence and biophysical properties (such as structural, functional, and spatial information, amino acid conservation, physicochemical variation, residue mobility, and thermodynamic stability) indicates that this missense variant is not expected to disrupt APC protein function with a negative predictive value of 95%. In summary, the available evidence is currently insufficient to determine the role of this variant in disease. Therefore, it has been classified as a Variant of Uncertain Significance.

All of Us Research Program, National Institutes of Health
Classification: Uncertain significance for Classic or attenuated familial adenomatous polyposis. Last evaluated: 2024-06-09. Review status: criteria provided, single submitter. Criteria: ACMG Guidelines, 2015. Collection method: clinical testing. Allele origin: germline. Inheritance: Autosomal dominant inheritance. Observed: 2 variant alleles, 2 heterozygotes.
Comment: This missense variant replaces lysine with isoleucine at codon 2739 of the APC protein. Computational prediction is inconclusive regarding the impact of this variant on protein structure and function (internally defined REVEL score threshold 0.5 < inconclusive < 0.7, PMID: 27666373). To our knowledge, functional studies have not been reported for this variant. This variant has not been reported in individuals affected with hereditary cancer in the literature. This variant has not been identified in the general population by the Genome Aggregation Database (gnomAD). The available evidence is insufficient to determine the role of this variant in disease conclusively. Therefore, this variant is classified as a Variant of Uncertain Significance.

This study involves interpretation of variants in research participants for the purpose of population health screening. Participant phenotype was not available at the time of variant classification. Additional details can be found in publication PMID: 35346344, PMCID: PMC8962531

Color Diagnostics, LLC DBA Color Health
Classification: Uncertain significance for Hereditary cancer-predisposing syndrome. Last evaluated: 2024-03-06. Review status: criteria provided, single submitter. Criteria: ACMG Guidelines, 2015. Collection method: clinical testing. Allele origin: germline.
Comment: This missense variant replaces lysine with isoleucine at codon 2739 of the APC protein. Computational prediction is inconclusive regarding the impact of this variant on protein structure and function (internally defined REVEL score threshold 0.5 < inconclusive < 0.7, PMID: 27666373). To our knowledge, functional studies have not been reported for this variant. This variant has not been reported in individuals affected with hereditary cancer in the literature. This variant has not been identified in the general population by the Genome Aggregation Database (gnomAD). The available evidence is insufficient to determine the role of this variant in disease conclusively. Therefore, this variant is classified as a Variant of Uncertain Significance.

Ambry Genetics
Classification: Uncertain significance for Hereditary cancer-predisposing syndrome. Last evaluated: 2024-02-28. Review status: criteria provided, single submitter. Criteria: Ambry Variant Classification Scheme 2023. Collection method: clinical testing. Allele origin: germline.
Comment: The p.K2739I variant (also known as c.8216A>T), located in coding exon 15 of the APC gene, results from an A to T substitution at nucleotide position 8216. The lysine at codon 2739 is replaced by isoleucine, an amino acid with dissimilar properties. This amino acid position is conserved. In addition, in silico predictors for this gene do not accurately predict pathogenicity. Based on the available evidence, the clinical significance of this alteration remains unclear.

NM_000038.6(APC):c.8216A>T (p.Lys2739Ile)

Gene: APC (APC regulator of Wnt signaling pathway; plus strand). Cytogenetic location: 5q22.2.
Variant type: single nucleotide variant.
Coding change: c.8216A>T on transcript NM_000038.6 (MANE Select); coding-DNA position 8216, A replaced by T.
Protein change: p.Lys2739Ile; replaces lysine 2739 with isoleucine.
Molecular consequence: missense variant.
Genome position (GRCh38, 1-based): chr5:112,843,810, A>T. VCF-style: chr5-112843810-A-T. GRCh37 (hg19) VCF-style: chr5-112179507-A-T.
Other names: c.8216A>T, p.Lys2739Ile (NM_001127510.3, NM_001354895.2); c.8162A>T, p.Lys2721Ile (NM_001127511.3); c.8270A>T, p.Lys2757Ile (NM_001354896.2); c.8246A>T, p.Lys2749Ile (NM_001354897.2); c.8141A>T, p.Lys2714Ile (NM_001354898.2); c.8132A>T, p.Lys2711Ile (NM_001354899.2); c.8093A>T, p.Lys2698Ile (NM_001354900.2); c.8039A>T, p.Lys2680Ile (NM_001354901.2); and 5 more; short protein forms K2456I, K2579I, K2613I, K2638I, K2648I, K2680I, K2698I, K2711I.
Identifiers: ClinVar variation 1332033 (VCV001332033.14), dbSNP rs2150001184, ClinGen allele CA16039168.
Genomic context (GRCh38, chr5:112,843,810, plus strand): 5'-AAAATCGCCTGAACTCCTTTATTCAGGTGGATGCCCCTGACCAAAAAGGAACTGAGATAA[A>T]ACCAGGACAAAATAATCCTGTCCCTGTATCAGAGACTAATGAAAGTTCTATAGTGGAACG-3'
Protein context (NP_000029.2, residues 2729-2749): DAPDQKGTEI[Lys2739Ile]PGQNNPVPVS